The following is an entry in ClinVar:

NM_032043.3(BRIP1):c.667C>T (p.Gln223Ter)

Gene: BRIP1 (BRCA1 interacting DNA helicase 1; minus strand). Cytogenetic location: 17q23.2.
Variant type: single nucleotide variant.
Coding change: c.667C>T on transcript NM_032043.3 (MANE Select); coding-DNA position 667, C replaced by T.
Protein change: p.Gln223Ter; replaces glutamine 223 with a stop codon.
Molecular consequence: nonsense.
Genome position (GRCh38, 1-based): chr17:61,808,718, G>A on the plus strand (C>T on the coding strand, the complement: BRIP1 is on the minus strand). VCF-style: chr17-61808718-G-A. GRCh37 (hg19) VCF-style: chr17-59886079-G-A.
Other names: short protein forms Q223*.
Identifiers: ClinVar variation 184847 (VCV000184847.11), dbSNP rs786201733, ClinGen allele CA190233.

ClinVar aggregate classification (germline): Pathogenic. Review status: criteria provided, multiple submitters, no conflicts (2 of 4 stars). 3 submissions from 3 submitters: Pathogenic (3). Last evaluated 2023-05-31.

Conditions:
Hereditary cancer-predisposing syndrome. Also called: Tumor predisposition; Hereditary Cancer Syndrome; Hereditary neoplastic syndrome; Neoplastic Syndromes, Hereditary. Identifiers: Orphanet 140162, MedGen C0027672, MeSH D009386, MONDO:0015356.
Familial cancer of breast. Also called: BREAST CANCER, FAMILIAL; hereditary breast carcinoma; Hereditary breast cancer. Identifiers: Orphanet 227535, MedGen C0346153, MONDO:0016419, OMIM 114480. Disease mechanism: loss of function.
Fanconi anemia complementation group J. Also called: BRIP1-Related Fanconi Anemia. Identifiers: Orphanet 84, MedGen C1836860, MONDO:0012187, OMIM 609054.

Allele frequency attached by ClinVar (database versions not stated): gnomAD exomes below 0.00001.
gnomAD v4.1: 2 of 1,613,652 alleles (0.00012%); highest among the groups gnomAD compares: African/African-American, 0.0013%; no homozygotes.

Submissions (3):

Myriad Genetics, Inc.
Classification: Pathogenic for Familial cancer of breast. Last evaluated: 2023-05-31. Review status: criteria provided, single submitter. Criteria: Myriad Autosomal Dominant, Autosomal Recessive and X-Linked Classification Criteria (2023). Collection method: clinical testing. Allele origin: unknown.
Comment: This variant is considered pathogenic. This variant creates a termination codon and is predicted to result in premature protein truncation.

Ambry Genetics
Classification: Pathogenic for Hereditary cancer-predisposing syndrome. Last evaluated: 2023-03-17. Review status: criteria provided, single submitter. Criteria: Ambry Variant Classification Scheme 2023. Collection method: clinical testing. Allele origin: germline.
Comment: The p.Q223* pathogenic mutation (also known as c.667C>T), located in coding exon 6 of the BRIP1 gene, results from a C to T substitution at nucleotide position 667. This changes the amino acid from a glutamine to a stop codon within coding exon 6. This alteration is expected to result in loss of function by premature protein truncation or nonsense-mediated mRNA decay. As such, this alteration is interpreted as a disease-causing mutation.

Labcorp Genetics (formerly Invitae), Labcorp
Classification: Pathogenic for Familial cancer of breast; Fanconi anemia complementation group J. Last evaluated: 2023-02-22. Review status: criteria provided, single submitter. Criteria: Invitae Variant Classification Sherloc (09022015). Collection method: clinical testing. Allele origin: germline.
Comment: For these reasons, this variant has been classified as Pathogenic. ClinVar contains an entry for this variant (Variation ID: 184847). This premature translational stop signal has been observed in individual(s) with ovarian cancer (PMID: 28888541). This variant is not present in population databases (gnomAD no frequency). This sequence change creates a premature translational stop signal (p.Gln223*) in the BRIP1 gene. It is expected to result in an absent or disrupted protein product. Loss-of-function variants in BRIP1 are known to be pathogenic (PMID: 16116423, 17033622, 21964575).

Literature cited by the submitters: PubMed 28888541 (cited by Labcorp Genetics (formerly Invitae), Labcorp); PubMed 16116423 (cited by Labcorp Genetics (formerly Invitae), Labcorp); PubMed 17033622 (cited by Labcorp Genetics (formerly Invitae), Labcorp); PubMed 21964575 (cited by Labcorp Genetics (formerly Invitae), Labcorp).